The following is an entry in ClinVar:

NM_001085049.3(MRAS):c.350A>T (p.Glu117Val)

Gene: MRAS (muscle RAS oncogene homolog; plus strand). Cytogenetic location: 3q22.3.
Variant type: single nucleotide variant.
Coding change: c.350A>T on transcript NM_001085049.3 (MANE Select); coding-DNA position 350, A replaced by T.
Protein change: p.Glu117Val; replaces glutamic acid 117 with valine.
Molecular consequence: missense variant.
Genome position (GRCh38, 1-based): chr3:138,398,471, A>T. VCF-style: chr3-138398471-A-T. GRCh37 (hg19) VCF-style: chr3-138117313-A-T.
Other names: c.350A>T, p.Glu117Val (NM_001252090.2, NM_012219.4); c.122A>T, p.Glu41Val (NM_001252091.1, NM_001252092.2, NM_001252093.2); short protein forms E117V, E41V.
Identifiers: ClinVar variation 4720946 (VCV004720946.1).
Genomic context (GRCh38, chr3:138,398,471, plus strand): 5'-TAACCAGGTGTGAGGGGTGGTGGAAACCTCACAGAGCTGCTGTTCCTTTATTTCCCAGGG[A>T]GTCATTCCCGATGATCCTCGTGGCCAACAAGGTCGATTTGATGCACTTGAGGAAGATCAC-3'
Protein context (NP_001078518.1, residues 107-127): HQLILRVKDR[Glu117Val]SFPMILVANK

ClinVar aggregate classification (germline): Uncertain significance (1 of 4 stars; one submission).

Submission:

Labcorp Genetics (formerly Invitae), Labcorp
Classification: Uncertain significance. Last evaluated: 2025-06-08. Review status: criteria provided, single submitter. Criteria: Invitae Variant Classification Sherloc (09022015). Collection method: clinical testing. Allele origin: germline.
Comment: This sequence change replaces glutamic acid, which is acidic and polar, with valine, which is neutral and non-polar, at codon 117 of the MRAS protein (p.Glu117Val). This variant is not present in population databases (gnomAD no frequency). This variant has not been reported in the literature in individuals affected with MRAS-related conditions. An algorithm developed to predict the effect of missense changes on protein structure and function (PolyPhen-2) suggests that this variant is likely to be tolerated. In summary, the available evidence is currently insufficient to determine the role of this variant in disease. Therefore, it has been classified as a Variant of Uncertain Significance.